The following is an entry in ClinVar:

NM_001291303.3(FAT4):c.10310C>G (p.Pro3437Arg)

Gene: FAT4 (FAT atypical cadherin 4; plus strand). Cytogenetic location: 4q28.1.
Variant type: single nucleotide variant.
Coding change: c.10310C>G on transcript NM_001291303.3 (MANE Select); coding-DNA position 10310, C replaced by G.
Protein change: p.Pro3437Arg; replaces proline 3437 with arginine.
Molecular consequence: missense variant.
Genome position (GRCh38, 1-based): chr4:125,451,320, C>G. VCF-style: chr4-125451320-C-G. GRCh37 (hg19) VCF-style: chr4-126372475-C-G.
Other names: c.10310C>G, p.Pro3437Arg (NM_001291285.3); c.10304C>G, p.Pro3435Arg (NM_024582.6); short protein forms P3435R, P3437R.
Identifiers: ClinVar variation 1934204 (VCV001934204.5), dbSNP rs761789494, ClinGen allele CA3073669.

ClinVar aggregate classification (germline): Uncertain significance (1 of 4 stars; one submission).

gnomAD v4.1: 3 of 1,614,116 alleles (0.00019%); highest among the groups gnomAD compares: Admixed American, 0.005%; no homozygotes.

Submission:

Labcorp Genetics (formerly Invitae), Labcorp
Classification: Uncertain significance. Last evaluated: 2024-03-14. Review status: criteria provided, single submitter. Criteria: Invitae Variant Classification Sherloc (09022015). Collection method: clinical testing. Allele origin: germline.
Comment: This sequence change replaces proline, which is neutral and non-polar, with arginine, which is basic and polar, at codon 3435 of the FAT4 protein (p.Pro3435Arg). This variant is present in population databases (rs761789494, gnomAD 0.006%). This variant has not been reported in the literature in individuals affected with FAT4-related conditions. ClinVar contains an entry for this variant (Variation ID: 1934204). Advanced modeling of protein sequence and biophysical properties (such as structural, functional, and spatial information, amino acid conservation, physicochemical variation, residue mobility, and thermodynamic stability) performed at Invitae indicates that this missense variant is not expected to disrupt FAT4 protein function with a negative predictive value of 95%. In summary, the available evidence is currently insufficient to determine the role of this variant in disease. Therefore, it has been classified as a Variant of Uncertain Significance.